The following is an entry in ClinVar:

NM_033026.6(PCLO):c.7306A>T (p.Thr2436Ser)

Gene: PCLO (piccolo presynaptic cytomatrix protein; minus strand). Cytogenetic location: 7q21.11.
Variant type: single nucleotide variant.
Coding change: c.7306A>T on transcript NM_033026.6 (MANE Select); coding-DNA position 7306, A replaced by T.
Protein change: p.Thr2436Ser; replaces threonine 2436 with serine.
Molecular consequence: missense variant.
Genome position (GRCh38, 1-based): chr7:82,953,647, T>A on the plus strand (A>T on the coding strand, the complement: PCLO is on the minus strand). VCF-style: chr7-82953647-T-A. GRCh37 (hg19) VCF-style: chr7-82582963-T-A.
Other names: c.7306A>T (NM_033026.5); c.7306A>T, p.Thr2436Ser (NM_014510.3); short protein forms T2436S.
Identifiers: ClinVar variation 1417092 (VCV001417092.5), dbSNP rs761113759, ClinGen allele CA4320327.

ClinVar aggregate classification (germline): Uncertain significance. Review status: criteria provided, multiple submitters, no conflicts (2 of 4 stars). 2 submissions from 2 submitters: Uncertain significance (2). Last evaluated 2025-08-04.

Conditions:
Inborn genetic diseases. Identifiers: MedGen C0950123, MeSH D030342.

Allele frequency attached by ClinVar (database versions not stated): ExAC 0.00001; gnomAD 0.00001 and 0.00002; gnomAD exomes 0.00004.
gnomAD v4.1: 10 of 1,567,240 alleles (0.00064%); highest among the groups gnomAD compares: Admixed American, 0.019%; no homozygotes.

Submissions (2):

Ambry Genetics
Classification: Uncertain significance for Inborn genetic diseases. Last evaluated: 2025-08-04. Review status: criteria provided, single submitter. Criteria: Ambry Variant Classification Scheme 2023. Collection method: clinical testing. Allele origin: germline.

Labcorp Genetics (formerly Invitae), Labcorp
Classification: Uncertain significance. Last evaluated: 2022-08-05. Review status: criteria provided, single submitter. Criteria: Invitae Variant Classification Sherloc (09022015). Collection method: clinical testing. Allele origin: germline.
Comment: This sequence change replaces threonine, which is neutral and polar, with serine, which is neutral and polar, at codon 2436 of the PCLO protein (p.Thr2436Ser). This variant is present in population databases (rs761113759, gnomAD 0.02%). This variant has not been reported in the literature in individuals affected with PCLO-related conditions. ClinVar contains an entry for this variant (Variation ID: 1417092). Algorithms developed to predict the effect of missense changes on protein structure and function output the following: SIFT: "Tolerated"; PolyPhen-2: "Not Available"; Align-GVGD: "Class C0". The serine amino acid residue is found in multiple mammalian species, which suggests that this missense change does not adversely affect protein function. In summary, the available evidence is currently insufficient to determine the role of this variant in disease. Therefore, it has been classified as a Variant of Uncertain Significance.